The following is an entry in ClinVar:

NM_004070.4(CLCNKA):c.247A>G (p.Arg83Gly)

Genes: CLCNKA (chloride voltage-gated channel Ka; plus strand), LOC106501712 (CLCNKA recombination region; plus strand). Cytogenetic location: 1p36.13.
Variant type: single nucleotide variant.
Coding change: c.247A>G on transcript NM_004070.4 (MANE Select); coding-DNA position 247, A replaced by G.
Protein change: p.Arg83Gly; replaces arginine 83 with glycine.
Molecular consequence: missense variant. On other transcripts: intron variant (1).
Genome position (GRCh38, 1-based): chr1:16,024,780, A>G. VCF-style: chr1-16024780-A-G. GRCh37 (hg19) VCF-style: chr1-16351275-A-G.
Other names: p.Arg83Gly; c.247A>G, p.Arg83Gly (NM_001042704.2); c.229+852A>G (NM_001257139.2); short protein forms R83G.
Identifiers: ClinVar variation 585697 (VCV000585697.12), dbSNP rs10927887, ClinGen allele CA622162.

ClinVar aggregate classification (germline): Benign. Review status: criteria provided, multiple submitters, no conflicts (2 of 4 stars). 8 submissions from 8 submitters: Benign (8). Last evaluated 2024-11-26.

Conditions:
Bartter disease type 4B. Also called: Bartter syndrome, type 4b, digenic; BARTTER SYNDROME, TYPE 4B, NEONATAL, WITH SENSORINEURAL DEAFNESS; BARTTER SYNDROME, TYPE 4B. Identifiers: Orphanet 112, MedGen C4310805, MONDO:0000909, OMIM 613090.

Allele frequency attached by ClinVar (database versions not stated): gnomAD exomes 0.55073 and 0.55805; ExAC 0.56364; TOPMed 0.59088; gnomAD 0.59220 and 0.59270; ESP Exome Variant Server 0.60088; 1000 Genomes Project 30x 0.63804; 1000 Genomes Project 0.64297.
gnomAD v4.1: 906,528 of 1,613,634 alleles (56%); highest among the groups gnomAD compares: East Asian, 74%; 257,855 homozygotes.

Submissions (8):

Blueprint Genetics
Classification: Benign. Last evaluated: 2024-11-26. Review status: criteria provided, single submitter. Criteria: ACMG Guidelines, 2015. Collection method: clinical testing. Allele origin: germline.

Mayo Clinic Laboratories, Mayo Clinic
Classification: Benign. Last evaluated: 2022-09-23. Review status: criteria provided, single submitter. Criteria: ACMG Guidelines, 2015. Collection method: clinical testing. Allele origin: germline. Observed: 161 variant alleles.
Comment: BA1, BP4

Women's Health and Genetics/Laboratory Corporation of America, LabCorp
Classification: Benign. Last evaluated: 2021-12-16. Review status: criteria provided, single submitter. Criteria: LabCorp Variant Classification Summary - May 2015. Collection method: clinical testing. Allele origin: germline.

Genome-Nilou Lab
Classification: Benign for Bartter disease type 4B. Last evaluated: 2021-07-22. Review status: criteria provided, single submitter. Criteria: ACMG Guidelines, 2015. Collection method: clinical testing. Allele origin: germline. Affected: no.

Mendelics
Classification: Benign for Bartter disease type 4B. Last evaluated: 2019-05-28. Review status: criteria provided, single submitter. Criteria: Mendelics Assertion Criteria 2017. Collection method: clinical testing. Allele origin: unknown.

GeneDx
Classification: Benign. Last evaluated: 2018-11-10. Review status: criteria provided, single submitter. Criteria: GeneDx Variant Classification Process June 2021. Collection method: clinical testing. Allele origin: germline. Affected: yes.
Comment: This variant is associated with the following publications: (PMID: 23850580, 21248228)

Athena Diagnostics
Classification: Benign. Last evaluated: 2018-05-07. Review status: criteria provided, single submitter. Criteria: Athena Diagnostics Criteria. Collection method: clinical testing. Allele origin: germline.

Breakthrough Genomics
Classification: Benign. Review status: criteria provided, single submitter. Criteria: ACMG Guidelines, 2015. Collection method: not provided. Allele origin: germline. Inheritance: Autosomal recessive inheritance. Affected: yes.